The following is an entry in ClinVar:

NM_003891.3(PROZ):c.549G>A (p.Pro183=)

Genes: PCID2 (PCI domain containing 2; minus strand), PROZ (protein Z, vitamin K dependent plasma glycoprotein; plus strand). Cytogenetic location: 13q34.
Variant type: single nucleotide variant.
Coding change: c.549G>A on transcript NM_003891.3 (MANE Select); coding-DNA position 549, G replaced by A.
Protein change: p.Pro183=; no amino-acid change (proline 183 retained).
Molecular consequence: synonymous variant.
Genome position (GRCh38, 1-based): chr13:113,165,096, G>A. VCF-style: chr13-113165096-G-A. GRCh37 (hg19) VCF-style: chr13-113819410-G-A.
Other names: c.615G>A, p.Pro205= (NM_001256134.2).
Identifiers: ClinVar variation 3035274 (VCV003035274.2), dbSNP rs757353205, ClinGen allele CA7061015.

ClinVar aggregate classification (germline): Likely benign (0 of 4 stars; one submission).

Conditions:
PROZ-related disorder. Also called: PROZ-related condition.

Allele frequency attached by ClinVar (database versions not stated): TOPMed 0.00004.
gnomAD v4.1: 11 of 1,612,192 alleles (0.00068%); highest among the groups gnomAD compares: East Asian, 0.016%; no homozygotes.

Submission:

PreventionGenetics, part of Exact Sciences
Classification: Likely benign for PROZ-related condition. Last evaluated: 2019-08-12. Review status: no assertion criteria provided. Collection method: clinical testing. Allele origin: germline.
Comment: This variant is classified as likely benign based on ACMG/AMP sequence variant interpretation guidelines (Richards et al. 2015 PMID: 25741868, with internal and published modifications).